The following is an entry in ClinVar:

ClinVar aggregate classification (germline): Uncertain significance (1 of 4 stars; one submission).

gnomAD v4.1: 3 of 1,607,572 alleles (0.00019%); highest among the groups gnomAD compares: Admixed American, 0.0017%; no homozygotes.

Submission:

Labcorp Genetics (formerly Invitae), Labcorp
Classification: Uncertain significance. Last evaluated: 2024-02-07. Review status: criteria provided, single submitter. Criteria: Invitae Variant Classification Sherloc (09022015). Collection method: clinical testing. Allele origin: germline.
Comment: This sequence change replaces glutamine, which is neutral and polar, with histidine, which is basic and polar, at codon 583 of the ZNF408 protein (p.Gln583His). This variant is not present in population databases (gnomAD no frequency). This variant has not been reported in the literature in individuals affected with ZNF408-related conditions. An algorithm developed to predict the effect of missense changes on protein structure and function (PolyPhen-2) suggests that this variant is likely to be disruptive. In summary, the available evidence is currently insufficient to determine the role of this variant in disease. Therefore, it has been classified as a Variant of Uncertain Significance.

NM_024741.3(ZNF408):c.1749G>T (p.Gln583His)

Gene: ZNF408 (zinc finger protein 408; plus strand). Cytogenetic location: 11p11.2.
Variant type: single nucleotide variant.
Coding change: c.1749G>T on transcript NM_024741.3 (MANE Select); coding-DNA position 1749, G replaced by T.
Protein change: p.Gln583His; replaces glutamine 583 with histidine.
Molecular consequence: missense variant.
Genome position (GRCh38, 1-based): chr11:46,705,449, G>T. VCF-style: chr11-46705449-G-T. GRCh37 (hg19) VCF-style: chr11-46726999-G-T.
Other names: c.1725G>T, p.Gln575His (NM_001184751.2); short protein forms Q583H, Q575H.
Identifiers: ClinVar variation 2956873 (VCV002956873.3), dbSNP rs2134511188, ClinGen allele CA380257452.